The following is an entry in ClinVar:

ClinVar aggregate classification (germline): Pathogenic (1 of 4 stars; one submission).

Conditions:
Marfan syndrome (MFS). Also called: Marfan syndrome type 1; Marfan's syndrome; FBN1-Related Marfan Syndrome; MARFAN SYNDROME, TYPE I; Marfan syndrome, classic. Identifiers: Orphanet 284963, Orphanet 558, MedGen C0024796, MONDO:0007947, OMIM 154700.
Familial thoracic aortic aneurysm and aortic dissection (TAAD). Also called: Thoracic aortic aneurysms and dissections. Identifiers: Orphanet 91387, MedGen C4707243, MONDO:0019625.

Submission:

Labcorp Genetics (formerly Invitae), Labcorp
Classification: Pathogenic for Marfan syndrome; Familial thoracic aortic aneurysm and aortic dissection. Last evaluated: 2021-03-29. Review status: criteria provided, single submitter. Criteria: Invitae Variant Classification Sherloc (09022015). Collection method: clinical testing. Allele origin: germline.
Comment: This sequence change creates a premature translational stop signal (p.Glu616Glyfs*9) in the FBN1 gene. It is expected to result in an absent or disrupted protein product. Loss-of-function variants in FBN1 are known to be pathogenic (PMID: 17657824, 19293843). This variant has not been reported in the literature in individuals with FBN1-related conditions. This variant is not present in population databases (ExAC no frequency). Algorithms developed to predict the effect of sequence changes on RNA splicing suggest that this variant may create or strengthen a splice site, but this prediction has not been confirmed by published transcriptional studies. For these reasons, this variant has been classified as Pathogenic.

Literature cited by the submitters: PubMed 17657824; PubMed 19293843.

NM_000138.5(FBN1):c.1847del (p.Glu616fs)

Gene: FBN1 (fibrillin 1; minus strand). Cytogenetic location: 15q21.1.
Variant type: Deletion.
Coding change: c.1847del on transcript NM_000138.5 (MANE Select); coding-DNA position 1847, one base deleted (A; older notation c.1847delA).
Protein change: p.Glu616fs; shifts the reading frame from glutamic acid 616.
Molecular consequence: frameshift variant.
Genome position (GRCh38, 1-based): chr15:48,505,138, T deleted on the plus strand (A on the coding strand, the reverse complement: FBN1 is on the minus strand). VCF-style (leftmost placement, unchanged base first): chr15-48505137-CT-C. GRCh37 (hg19) VCF-style: chr15-48797334-CT-C.
Other names: short protein forms E616fs.
Identifiers: ClinVar variation 1393369 (VCV001393369.6), dbSNP rs2141317487, ClinGen allele CA2573150802.